The following is an entry in ClinVar:

ClinVar aggregate classification (germline): Uncertain significance (1 of 4 stars; one submission).

Allele frequency attached by ClinVar (database versions not stated): gnomAD exomes below 0.00001; TOPMed below 0.00001; ExAC 0.00002.
gnomAD v4.1: 6 of 1,613,688 alleles (0.00037%); highest among the groups gnomAD compares: South Asian, 0.0022%; no homozygotes.

Submission:

CeGaT Center for Human Genetics Tuebingen
Classification: Uncertain significance. Last evaluated: 2022-06-01. Review status: criteria provided, single submitter. Criteria: CeGaT Center For Human Genetics Tuebingen Variant Classification Criteria Version 2. Collection method: clinical testing. Allele origin: germline. Affected: yes. Observed: 1 variant allele.
Comment: PHF21A: PP3

NM_001352027.3(PHF21A):c.1279C>T (p.Arg427Trp)

Gene: PHF21A (PHD finger protein 21A; minus strand). Cytogenetic location: 11p11.2.
Variant type: single nucleotide variant.
Coding change: c.1279C>T on transcript NM_001352027.3 (MANE Select); coding-DNA position 1279, C replaced by T.
Protein change: p.Arg427Trp; replaces arginine 427 with tryptophan.
Molecular consequence: missense variant. On other transcripts: non-coding transcript variant (2).
Genome position (GRCh38, 1-based): chr11:45,948,895, G>A on the plus strand (C>T on the coding strand, the complement: PHF21A is on the minus strand). VCF-style: chr11-45948895-G-A. GRCh37 (hg19) VCF-style: chr11-45970446-G-A.
Other names: c.1276C>T, p.Arg426Trp (NM_001101802.3, NM_001352030.3, NM_001352031.3 and 1 more transcripts); c.1279C>T, p.Arg427Trp (NM_001352025.3, NM_001352026.3, NM_001352028.1 and 2 more transcripts); short protein forms R426W, R427W.
Identifiers: ClinVar variation 2641738 (VCV002641738.24), dbSNP rs756971060, ClinGen allele CA5961156.